The following is an entry in ClinVar:

ClinVar aggregate classification (germline): Conflicting classifications of pathogenicity. Review status: criteria provided, conflicting classifications (1 of 4 stars). 8 submissions from 8 submitters: Uncertain significance (5); Likely benign (2). 1 of the submissions does not count toward it. Last evaluated 2026-01-31.

Conditions:
Hereditary cancer-predisposing syndrome. Also called: Tumor predisposition; Hereditary neoplastic syndrome; Neoplastic Syndromes, Hereditary; Hereditary Cancer Syndrome. Identifiers: Orphanet 140162, MedGen C0027672, MeSH D009386, MONDO:0015356.
Hereditary breast ovarian cancer syndrome. Also called: Hereditary breast and ovarian cancer; Breast and ovarian cancer; BRCA1- and BRCA2-Associated Hereditary Breast and Ovarian Cancer; Hereditary breast and ovarian cancer syndrome; Hereditary breast and ovarian cancer syndrome (HBOC); Hereditary breast and/or ovarian cancer syndrome. Identifiers: Orphanet 145, MedGen C0677776, MeSH D061325, MONDO:0003582. Disease mechanism: loss of function.
Breast-ovarian cancer, familial, susceptibility to, 2 (BROVCA2). Also called: BRCA2 Hereditary Breast and Ovarian Cancer. Identifiers: Orphanet 145, MedGen C2675520, MONDO:0012933, OMIM 612555. Disease mechanism: loss of function.

Allele frequency attached by ClinVar (database versions not stated): gnomAD exomes below 0.00001; TOPMed 0.00001.
gnomAD v4.1: 3 of 1,607,830 alleles (0.00019%); highest among the groups gnomAD compares: Non-Finnish European, 0.00025%; no homozygotes.

Submissions (8):

Labcorp Genetics (formerly Invitae), Labcorp
Classification: Uncertain significance for Hereditary breast ovarian cancer syndrome. Last evaluated: 2026-01-31. Review status: criteria provided, single submitter. Criteria: Invitae Variant Classification Sherloc (09022015). Collection method: clinical testing. Allele origin: germline.
Comment: This sequence change replaces asparagine, which is neutral and polar, with serine, which is neutral and polar, at codon 905 of the BRCA2 protein (p.Asn905Ser). This variant is present in population databases (rs730881515, gnomAD 0.0009%). This variant has not been reported in the literature in individuals affected with BRCA2-related conditions. ClinVar contains an entry for this variant (Variation ID: 182190). Invitae Evidence Modeling of protein sequence and biophysical properties (such as structural, functional, and spatial information, amino acid conservation, physicochemical variation, residue mobility, and thermodynamic stability) indicates that this missense variant is not expected to disrupt BRCA2 protein function with a negative predictive value of 95%. In summary, the available evidence is currently insufficient to determine the role of this variant in disease. Therefore, it has been classified as a Variant of Uncertain Significance.

Ambry Genetics
Classification: Likely benign for Hereditary cancer-predisposing syndrome. Last evaluated: 2025-12-15. Review status: criteria provided, single submitter. Criteria: Ambry Variant Classification Scheme 2023. Collection method: clinical testing. Allele origin: germline.

GeneDx
Classification: Uncertain significance. Last evaluated: 2025-06-02. Review status: criteria provided, single submitter. Criteria: GeneDx Variant Classification Process June 2021. Collection method: clinical testing. Allele origin: germline. Affected: yes.
Comment: In silico analysis supports that this missense variant has a deleterious effect on protein structure/function; Not observed at significant frequency in large population cohorts (gnomAD); Also known as 2942A>G; This variant is associated with the following publications: (PMID: 31131967, 29884841, 35585550)

All of Us Research Program, National Institutes of Health
Classification: Uncertain significance for Breast-ovarian cancer, familial, susceptibility to, 2. Last evaluated: 2023-08-15. Review status: criteria provided, single submitter. Criteria: ACMG Guidelines, 2015. Collection method: clinical testing. Allele origin: germline. Inheritance: Autosomal dominant inheritance. Observed: 1 variant allele, 1 heterozygote.
Comment: This study involves interpretation of variants in research participants for the purpose of population health screening. Participant phenotype was not available at the time of variant classification. Additional details can be found in publication PMID: 35346344, PMCID: PMC8962531

Women's Health and Genetics/Laboratory Corporation of America, LabCorp
Classification: Uncertain significance. Last evaluated: 2023-06-03. Review status: criteria provided, single submitter. Criteria: LabCorp Variant Classification Summary - May 2015. Collection method: clinical testing. Allele origin: germline.

University of Washington Department of Laboratory Medicine, University of Washington
Classification: Likely benign for Hereditary cancer-predisposing syndrome. Last evaluated: 2023-03-23. Review status: criteria provided, single submitter. Criteria: Dines et al. (Genet Med. 2020). Collection method: curation. Allele origin: germline.
Comment: Missense variant in a coldspot region where missense variants are very unlikely to be pathogenic (PMID:31911673).

BRCA2 exon 11 coldspot. Reclassification based on statistical prior probability.

Color Diagnostics, LLC DBA Color Health
Classification: Uncertain significance for Hereditary cancer-predisposing syndrome. Last evaluated: 2019-06-05. Review status: criteria provided, single submitter. Criteria: ACMG Guidelines, 2015. Collection method: clinical testing. Allele origin: germline.

Counsyl
Classification: Uncertain significance for Breast-ovarian cancer, familial, susceptibility to, 2. Last evaluated: 2016-02-12. Review status: no assertion criteria provided. Collection method: clinical testing. Allele origin: unknown. Not counted in ClinVar's aggregate classification.

NM_000059.4(BRCA2):c.2714A>G (p.Asn905Ser)

Gene: BRCA2 (BRCA2 DNA repair associated; plus strand). Cytogenetic location: 13q13.1.
Variant type: single nucleotide variant.
Coding change: c.2714A>G on transcript NM_000059.4 (MANE Select); coding-DNA position 2714, A replaced by G.
Protein change: p.Asn905Ser; replaces asparagine 905 with serine.
Molecular consequence: missense variant.
Genome position (GRCh38, 1-based): chr13:32,337,069, A>G. VCF-style: chr13-32337069-A-G. GRCh37 (hg19) VCF-style: chr13-32911206-A-G.
Other names: p.N905S:AAT>AGT; short protein forms N905S.
Identifiers: ClinVar variation 182190 (VCV000182190.27), dbSNP rs730881515, ClinGen allele CA016153.